The following is an entry in ClinVar:

ClinVar aggregate classification (germline): Uncertain significance. Review status: criteria provided, multiple submitters, no conflicts (2 of 4 stars). 3 submissions from 3 submitters: Uncertain significance (3). Last evaluated 2024-04-24.

Conditions:
Peroxisome biogenesis disorder. Identifiers: Orphanet 79189, MedGen C1832200, MONDO:0019234. Disease mechanism: loss of function.
Peroxisome biogenesis disorder 8A (Zellweger). Also called: Peroxisome biogenesis disorder 8A. Identifiers: Orphanet 912, MedGen C3553959, MONDO:0013942, OMIM 614876.
Inborn genetic diseases. Identifiers: MedGen C0950123, MeSH D030342.

Allele frequency attached by ClinVar (database versions not stated): ExAC 0.00007; gnomAD exomes 0.00009.

Submissions (3):

Ambry Genetics
Classification: Uncertain significance for Inborn genetic diseases. Last evaluated: 2024-04-24. Review status: criteria provided, single submitter. Criteria: Ambry Variant Classification Scheme 2023. Collection method: clinical testing. Allele origin: germline.

Labcorp Genetics (formerly Invitae), Labcorp
Classification: Uncertain significance for Peroxisome biogenesis disorder. Last evaluated: 2022-07-26. Review status: criteria provided, single submitter. Criteria: Invitae Variant Classification Sherloc (09022015). Collection method: clinical testing. Allele origin: germline.
Comment: This sequence change replaces valine, which is neutral and non-polar, with isoleucine, which is neutral and non-polar, at codon 316 of the PEX16 protein (p.Val316Ile). This variant is present in population databases (rs775371916, gnomAD 0.07%). This variant has not been reported in the literature in individuals affected with PEX16-related conditions. ClinVar contains an entry for this variant (Variation ID: 304786). Algorithms developed to predict the effect of missense changes on protein structure and function output the following: SIFT: "Deleterious"; PolyPhen-2: "Benign"; Align-GVGD: "Class C0". The isoleucine amino acid residue is found in multiple mammalian species, which suggests that this missense change does not adversely affect protein function. In summary, the available evidence is currently insufficient to determine the role of this variant in disease. Therefore, it has been classified as a Variant of Uncertain Significance.

Illumina Laboratory Services, Illumina
Classification: Uncertain significance for Peroxisome biogenesis disorder 8A (Zellweger). Last evaluated: 2018-01-13. Review status: criteria provided, single submitter. Criteria: ICSL Variant Classification Criteria 13 December 2019. Collection method: clinical testing. Allele origin: germline.

NM_004813.4(PEX16):c.946G>A (p.Val316Ile)

Gene: PEX16 (peroxisomal biogenesis factor 16; minus strand). Cytogenetic location: 11p11.2.
Variant type: single nucleotide variant.
Coding change: c.946G>A on transcript NM_004813.4 (MANE Select); coding-DNA position 946, G replaced by A.
Protein change: p.Val316Ile; replaces valine 316 with isoleucine.
Molecular consequence: missense variant.
Genome position (GRCh38, 1-based): chr11:45,910,904, C>T on the plus strand (G>A on the coding strand, the complement: PEX16 is on the minus strand). VCF-style: chr11-45910904-C-T. GRCh37 (hg19) VCF-style: chr11-45932455-C-T.
Other names: c.946G>A, p.Val316Ile (NM_057174.3); short protein forms V316I.
Identifiers: ClinVar variation 304786 (VCV000304786.10), dbSNP rs775371916, ClinGen allele CA5959756.
Genomic context (GRCh38, chr11:45,910,904, plus strand): 5'-TTGCATGCATGCGCCTTCCAGCACTACAGTCATCGCGTCCCCATCCCTGCTTACTTGTGA[C>T]CAGGCCAACGCCAGGGACGTGGTCGGCCAGCAACTGGAGCAGGAAGAGGATCCTGGCCCT-3'
Protein context (NP_004804.2, residues 306-326): LADHVPGVGL[Val316Ile]TRPLMDYLPT